The following is an entry in ClinVar:

NM_001394998.1(TANC2):c.4008C>T (p.Asp1336=)

Genes: TANC2 (tetratricopeptide repeat, ankyrin repeat and coiled-coil containing 2; plus strand), LOC105371856 (uncharacterized LOC105371856; minus strand). Cytogenetic location: 17q23.3.
Variant type: single nucleotide variant.
Coding change: c.4008C>T on transcript NM_001394998.1 (MANE Select); coding-DNA position 4008, C replaced by T.
Protein change: p.Asp1336=; no amino-acid change (aspartic acid 1336 retained).
Molecular consequence: synonymous variant.
Genome position (GRCh38, 1-based): chr17:63,413,622, C>T. VCF-style: chr17-63413622-C-T. GRCh37 (hg19) VCF-style: chr17-61490983-C-T.
Other names: c.3786C>T, p.Asp1262= (NM_001411076.1); c.3756C>T, p.Asp1252= (NM_025185.4).
Identifiers: ClinVar variation 3389232 (VCV003389232.14).
Genomic context (GRCh38, chr17:63,413,622, plus strand): 5'-GGCCACCTCCAAGCCAGACATCATGATCATCCTGTTGAGCAAGCTGATGGAAGAGGGGGA[C>T]ATGTTTTATAAGGTGAGGGGAGGGAGGGACACAGTTTCTTCAGAACAGCCACTGACTGTT-3'
Protein context (NP_001381927.1, residues 1326-1346): ILLSKLMEEG[Asp1336=]MFYKKGKVKE

ClinVar aggregate classification (germline): Uncertain significance (1 of 4 stars; one submission).

Submission:

CeGaT Center for Human Genetics Tuebingen
Classification: Uncertain significance. Last evaluated: 2024-11-01. Review status: criteria provided, single submitter. Criteria: CeGaT Center For Human Genetics Tuebingen Variant Classification Criteria Version 2. Collection method: clinical testing. Allele origin: germline. Affected: yes. Observed: 1 variant allele.
Comment: TANC2: PM2:Supporting, BP4